The following is an entry in ClinVar:

NM_002661.5(PLCG2):c.1825A>G (p.Ser609Gly)

Gene: PLCG2 (phospholipase C gamma 2; plus strand). Cytogenetic location: 16q23.3.
Variant type: single nucleotide variant.
Coding change: c.1825A>G on transcript NM_002661.5 (MANE Select); coding-DNA position 1825, A replaced by G.
Protein change: p.Ser609Gly; replaces serine 609 with glycine.
Molecular consequence: missense variant.
Genome position (GRCh38, 1-based): chr16:81,910,611, A>G. VCF-style: chr16-81910611-A-G. GRCh37 (hg19) VCF-style: chr16-81944216-A-G.
Other names: short protein forms S609G.
Identifiers: ClinVar variation 1910323 (VCV001910323.5), dbSNP rs772501660, ClinGen allele CA8193949.

ClinVar aggregate classification (germline): Uncertain significance (1 of 4 stars; one submission).

Conditions:
Familial cold autoinflammatory syndrome 3 (FCAS3). Also called: ANTIBODY DEFICIENCY AND IMMUNE DYSREGULATION, PLCG2-ASSOCIATED; FAMILIAL ATYPICAL COLD URTICARIA. Identifiers: Orphanet 300359, MedGen C3280914, MONDO:0013766, OMIM 614468.

Allele frequency attached by ClinVar (database versions not stated): TOPMed below 0.00001; gnomAD 0.00001; gnomAD exomes 0.00001; ExAC 0.00002.
gnomAD v4.1: 10 of 1,614,016 alleles (0.00062%); highest among the groups gnomAD compares: South Asian, 0.0099%; no homozygotes.

Submission:

Labcorp Genetics (formerly Invitae), Labcorp
Classification: Uncertain significance for Familial cold autoinflammatory syndrome 3. Last evaluated: 2025-10-27. Review status: criteria provided, single submitter. Criteria: Invitae Variant Classification Sherloc (09022015). Collection method: clinical testing. Allele origin: germline.
Comment: This sequence change replaces serine, which is neutral and polar, with glycine, which is neutral and non-polar, at codon 609 of the PLCG2 protein (p.Ser609Gly). This variant is present in population databases (rs772501660, gnomAD 0.01%). This variant has not been reported in the literature in individuals affected with PLCG2-related conditions. ClinVar contains an entry for this variant (Variation ID: 1910323). An algorithm developed to predict the effect of missense changes on protein structure and function (PolyPhen-2) suggests that this variant is likely to be disruptive. In summary, the available evidence is currently insufficient to determine the role of this variant in disease. Therefore, it has been classified as a Variant of Uncertain Significance.